The following is an entry in ClinVar:

NM_006440.5(TXNRD2):c.364C>T (p.Pro122Ser)

Gene: TXNRD2 (thioredoxin reductase 2; minus strand). Cytogenetic location: 22q11.21.
Variant type: single nucleotide variant.
Coding change: c.364C>T on transcript NM_006440.5 (MANE Select); coding-DNA position 364, C replaced by T.
Protein change: p.Pro122Ser; replaces proline 122 with serine.
Molecular consequence: missense variant. On other transcripts: non-coding transcript variant (1).
Genome position (GRCh38, 1-based): chr22:19,918,870, G>A on the plus strand (C>T on the coding strand, the complement: TXNRD2 is on the minus strand). VCF-style: chr22-19918870-G-A. GRCh37 (hg19) VCF-style: chr22-19906393-G-A.
Other names: c.364C>T, p.Pro122Ser (NM_001282512.3); c.361C>T, p.Pro121Ser (NM_001352300.2); c.274C>T, p.Pro92Ser (NM_001352301.2); c.76C>T, p.Pro26Ser (NM_001352302.2); c.268C>T, p.Pro90Ser (NM_001352303.2); short protein forms P121S, P122S, P26S, P90S, P92S.
Identifiers: ClinVar variation 1000594 (VCV001000594.7), dbSNP rs1432720365, ClinGen allele CA410693649.

ClinVar aggregate classification (germline): Uncertain significance (1 of 4 stars; one submission).

Conditions:
Primary dilated cardiomyopathy (DCM). Also called: Dilated Cardiomyopathy. Identifiers: Orphanet 217604, MedGen C0007193, MeSH D002311, MONDO:0005021, HP:0001644. Inheritance: Various modes of inheritance.

Allele frequency attached by ClinVar (database versions not stated): gnomAD exomes below 0.00001.

Submission:

Labcorp Genetics (formerly Invitae), Labcorp
Classification: Uncertain significance for Primary dilated cardiomyopathy. Last evaluated: 2025-04-28. Review status: criteria provided, single submitter. Criteria: Invitae Variant Classification Sherloc (09022015). Collection method: clinical testing. Allele origin: germline.
Comment: This sequence change replaces proline, which is neutral and non-polar, with serine, which is neutral and polar, at codon 122 of the TXNRD2 protein (p.Pro122Ser). The frequency data for this variant in the population databases is considered unreliable, as metrics indicate poor data quality at this position in the gnomAD database. This variant has not been reported in the literature in individuals affected with TXNRD2-related conditions. ClinVar contains an entry for this variant (Variation ID: 1000594). Invitae Evidence Modeling of protein sequence and biophysical properties (such as structural, functional, and spatial information, amino acid conservation, physicochemical variation, residue mobility, and thermodynamic stability) indicates that this missense variant is not expected to disrupt TXNRD2 protein function with a negative predictive value of 80%. In summary, the available evidence is currently insufficient to determine the role of this variant in disease. Therefore, it has been classified as a Variant of Uncertain Significance.